The following is an entry in ClinVar:

ClinVar aggregate classification (germline): Pathogenic. Review status: criteria provided, multiple submitters, no conflicts (2 of 4 stars). 2 submissions from 2 submitters: Pathogenic (2). Last evaluated 2025-06-11.

Conditions:
Familial cancer of breast. Also called: Hereditary breast cancer; hereditary breast carcinoma; BREAST CANCER, FAMILIAL. Identifiers: Orphanet 227535, MedGen C0346153, MONDO:0016419, OMIM 114480. Disease mechanism: loss of function.
Ataxia-telangiectasia syndrome (AT). Also called: Ataxia telangiectasia (A-T); ATAXIA-TELANGIECTASIA, COMPLEMENTATION GROUP A; ATAXIA-TELANGIECTASIA, FRESNO VARIANT; Ataxia-telangiectasia; Ataxia-telangiectasia, complementation group E; LOUIS-BAR SYNDROME. Identifiers: Orphanet 100, MedGen C0004135, MONDO:0008840, OMIM 208900.

Submissions (2):

3billion
Classification: Pathogenic for Familial cancer of breast. Last evaluated: 2025-06-11. Review status: criteria provided, single submitter. Criteria: ACMG Guidelines, 2015. Collection method: clinical testing. Allele origin: germline. Affected: yes.
Comment: The variant is not observed in the gnomAD v4.1.0 dataset. Predicted Consequence/Location: Stop-gained (nonsense): predicted to result in a loss or disruption of normal protein function through nonsense-mediated decay (NMD) or protein truncation. Multiple pathogenic variants are reported downstream of the variant. The variant has been reported to be associated with ATM-related disorder (ClinVar ID: VCV001068579). Therefore, this variant is classified as Risk-Allele according to the recommendation of ACMG/AMP guideline.

Labcorp Genetics (formerly Invitae), Labcorp
Classification: Pathogenic for Ataxia-telangiectasia syndrome. Last evaluated: 2020-09-09. Review status: criteria provided, single submitter. Criteria: Invitae Variant Classification Sherloc (09022015). Collection method: clinical testing. Allele origin: germline.
Comment: For these reasons, this variant has been classified as Pathogenic. Loss-of-function variants in ATM are known to be pathogenic (PMID: 23807571, 25614872). This variant has not been reported in the literature in individuals with ATM-related conditions. This variant is not present in population databases (ExAC no frequency). This sequence change creates a premature translational stop signal (p.Arg2929*) in the ATM gene. It is expected to result in an absent or disrupted protein product.

Literature cited by the submitters: PubMed 23807571 (cited by Labcorp Genetics (formerly Invitae), Labcorp); PubMed 25614872 (cited by Labcorp Genetics (formerly Invitae), Labcorp).

NM_000051.4(ATM):c.8785A>T (p.Arg2929Ter)

Genes: ATM (ATM serine/threonine kinase; plus strand), C11orf65 (chromosome 11 open reading frame 65; minus strand). Cytogenetic location: 11q22.3.
Variant type: single nucleotide variant.
Coding change: c.8785A>T on transcript NM_000051.4 (MANE Select); coding-DNA position 8785, A replaced by T.
Protein change: p.Arg2929Ter; replaces arginine 2929 with a stop codon.
Molecular consequence: nonsense. On other transcripts: intron variant (2).
Genome position (GRCh38, 1-based): chr11:108,353,879, A>T. VCF-style: chr11-108353879-A-T. GRCh37 (hg19) VCF-style: chr11-108224606-A-T.
Other names: c.8785A>T, p.Arg2929Ter (NM_001351834.2); c.640+32041T>A (NM_001330368.2); c.695-18587T>A (NM_001351110.2); short protein forms R2929*.
Identifiers: ClinVar variation 1068579 (VCV001068579.8), dbSNP rs1013290424, ClinGen allele CA382524436.
Genomic context (GRCh38, chr11:108,353,879, plus strand): 5'-AGACTCACCAGAGATATTGTGGATGGCATGGGCATTACGGGTGTTGAAGGTGTCTTCAGA[A>T]GGTAAGTGATATGAAGTAAAGGAGGGAAATAATTTTTGATGTCAAAATTACATGGGCTGG-3'